The following is an entry in ClinVar:

ClinVar aggregate classification (germline): Uncertain significance (1 of 4 stars; one submission).

Allele frequency attached by ClinVar (database versions not stated): TOPMed 0.00003; gnomAD exomes 0.00004 and 0.00010; gnomAD 0.00005; ESP Exome Variant Server 0.00008; ExAC 0.00015.
gnomAD v4.1: 69 of 1,614,044 alleles (0.0043%); highest among the groups gnomAD compares: Non-Finnish European, 0.0056%; no homozygotes.

Submission:

Labcorp Genetics (formerly Invitae), Labcorp
Classification: Uncertain significance. Last evaluated: 2023-09-20. Review status: criteria provided, single submitter. Criteria: Invitae Variant Classification Sherloc (09022015). Collection method: clinical testing. Allele origin: germline.
Comment: In summary, the available evidence is currently insufficient to determine the role of this variant in disease. Therefore, it has been classified as a Variant of Uncertain Significance. An algorithm developed to predict the effect of missense changes on protein structure and function (PolyPhen-2) suggests that this variant¬†is likely to be tolerated. ClinVar contains an entry for this variant (Variation ID: 1426825). This variant has not been reported in the literature in individuals affected with CXCR2-related conditions. This variant is present in population databases (rs141096894, gnomAD 0.02%). This sequence change replaces isoleucine, which is neutral and non-polar, with threonine, which is neutral and polar, at codon 226 of the CXCR2 protein (p.Ile226Thr).

NM_001557.4(CXCR2):c.677T>C (p.Ile226Thr)

Gene: CXCR2 (C-X-C motif chemokine receptor 2; plus strand). Cytogenetic location: 2q35.
Variant type: single nucleotide variant.
Coding change: c.677T>C on transcript NM_001557.4 (MANE Select); coding-DNA position 677, T replaced by C.
Protein change: p.Ile226Thr; replaces isoleucine 226 with threonine.
Molecular consequence: missense variant.
Genome position (GRCh38, 1-based): chr2:218,135,478, T>C. VCF-style: chr2-218135478-T-C. GRCh37 (hg19) VCF-style: chr2-219000201-T-C.
Other names: c.677T>C, p.Ile226Thr (NM_001168298.2); short protein forms I226T.
Identifiers: ClinVar variation 1426825 (VCV001426825.5), dbSNP rs141096894, ClinGen allele CA2101749.